The following is an entry in ClinVar:

NM_000051.4(ATM):c.504del (p.Ser169fs)

Gene: ATM (ATM serine/threonine kinase; plus strand). Cytogenetic location: 11q22.3.
Variant type: Deletion.
Coding change: c.504del on transcript NM_000051.4 (MANE Select); coding-DNA position 504, one base deleted (C; older notation c.504delC).
Protein change: p.Ser169fs; shifts the reading frame from serine 169.
Molecular consequence: frameshift variant.
Genome position (GRCh38, 1-based): chr11:108,243,960, C deleted. VCF-style (leftmost placement, unchanged base first): chr11-108243959-TC-T. GRCh37 (hg19) VCF-style: chr11-108114686-TC-T.
Other names: c.504del, p.Ser169fs (NM_001351834.2); short protein forms S169fs.
Identifiers: ClinVar variation 1745010 (VCV001745010.2), dbSNP rs2550338285, ClinGen allele CA2580083115.

ClinVar aggregate classification (germline): Pathogenic (1 of 4 stars; one submission).

Conditions:
Hereditary cancer-predisposing syndrome. Also called: Hereditary Cancer Syndrome; Neoplastic Syndromes, Hereditary; Tumor predisposition; Hereditary neoplastic syndrome. Identifiers: Orphanet 140162, MedGen C0027672, MeSH D009386, MONDO:0015356.

Submission:

Ambry Genetics
Classification: Pathogenic for Hereditary cancer-predisposing syndrome. Last evaluated: 2020-06-22. Review status: criteria provided, single submitter. Criteria: Ambry Variant Classification Scheme 2023. Collection method: clinical testing. Allele origin: germline.
Comment: The c.504delC pathogenic mutation, located in coding exon 5 of the ATM gene, results from a deletion of one nucleotide at nucleotide position 504, causing a translational frameshift with a predicted alternate stop codon (p.S169Lfs*8). This alteration is expected to result in loss of function by premature protein truncation or nonsense-mediated mRNA decay. As such, this alteration is interpreted as a disease-causing mutation.